The following is an entry in ClinVar:

ClinVar aggregate classification (germline): Pathogenic (1 of 4 stars; one submission).

Conditions:
Hereditary cancer-predisposing syndrome. Also called: Tumor predisposition; Neoplastic Syndromes, Hereditary; Hereditary Cancer Syndrome; Hereditary neoplastic syndrome. Identifiers: Orphanet 140162, MedGen C0027672, MeSH D009386, MONDO:0015356.

Allele frequency attached by ClinVar (database versions not stated): gnomAD exomes below 0.00001.
gnomAD v4.1: 1 of 1,613,190 alleles (0.000062%); highest among the groups gnomAD compares: South Asian, 0.0011%; no homozygotes.

Submission:

Labcorp Genetics (formerly Invitae), Labcorp
Classification: Pathogenic for Hereditary cancer-predisposing syndrome. Last evaluated: 2023-05-25. Review status: criteria provided, single submitter. Criteria: Invitae Variant Classification Sherloc (09022015). Collection method: clinical testing. Allele origin: germline.
Comment: For these reasons, this variant has been classified as Pathogenic. This variant has not been reported in the literature in individuals affected with RAD50-related conditions. This variant is not present in population databases (gnomAD no frequency). This sequence change creates a premature translational stop signal (p.Gln354*) in the RAD50 gene. It is expected to result in an absent or disrupted protein product. Loss-of-function variants in RAD50 are known to be pathogenic (PMID: 19409520).

Literature cited by the submitters: PubMed 19409520.

NM_005732.4(RAD50):c.1060C>T (p.Gln354Ter)

Gene: RAD50 (RAD50 double strand break repair protein; plus strand). Cytogenetic location: 5q31.1.
Variant type: single nucleotide variant.
Coding change: c.1060C>T on transcript NM_005732.4 (MANE Select); coding-DNA position 1060, C replaced by T.
Protein change: p.Gln354Ter; replaces glutamine 354 with a stop codon.
Molecular consequence: nonsense.
Genome position (GRCh38, 1-based): chr5:132,588,695, C>T. VCF-style: chr5-132588695-C-T. GRCh37 (hg19) VCF-style: chr5-131924387-C-T.
Other names: short protein forms Q354*.
Identifiers: ClinVar variation 2835507 (VCV002835507.3), dbSNP rs2149841026, ClinGen allele CA360941981.
Genomic context (GRCh38, chr5:132,588,695, plus strand): 5'-AACTTTTTAAGCACCAGTTGAAAAAAAAATTATGAGATTTTTTTTTTAAAAGGTCGTCTA[C>T]AGCTGCAAGCAGATCGCCATCAAGAACATATCCGAGCTAGAGATTCATTAATTCAGTCTT-3'